The following is an entry in ClinVar:

NM_000038.6(APC):c.1842A>G (p.Ala614=)

Gene: APC (APC regulator of Wnt signaling pathway; plus strand). Cytogenetic location: 5q22.2.
Variant type: single nucleotide variant.
Coding change: c.1842A>G on transcript NM_000038.6 (MANE Select); coding-DNA position 1842, A replaced by G.
Protein change: p.Ala614=; no amino-acid change (alanine 614 retained).
Molecular consequence: synonymous variant.
Genome position (GRCh38, 1-based): chr5:112,835,049, A>G. VCF-style: chr5-112835049-A-G. GRCh37 (hg19) VCF-style: chr5-112170746-A-G.
Other names: c.1842A>G, p.Ala614= (NM_001127510.3, NM_001354895.2); c.1788A>G, p.Ala596= (NM_001127511.3); c.1896A>G, p.Ala632= (NM_001354896.2); c.1872A>G, p.Ala624= (NM_001354897.2); c.1767A>G, p.Ala589= (NM_001354898.2); c.1758A>G, p.Ala586= (NM_001354899.2); c.1719A>G, p.Ala573= (NM_001354900.2); c.1665A>G, p.Ala555= (NM_001354901.2); and 5 more.
Identifiers: ClinVar variation 378943 (VCV000378943.20), dbSNP rs1057520424, ClinGen allele CA16604655.

ClinVar aggregate classification (germline): Benign/Likely benign. Review status: criteria provided, multiple submitters, no conflicts (2 of 4 stars). 6 submissions from 6 submitters: Benign (1); Likely benign (5). Last evaluated 2025-12-10.

Conditions:
Classic or attenuated familial adenomatous polyposis. Identifiers: MedGen CN372698, MONDO:0021057.
Hereditary cancer-predisposing syndrome. Also called: Tumor predisposition; Hereditary neoplastic syndrome; Neoplastic Syndromes, Hereditary; Hereditary Cancer Syndrome. Identifiers: Orphanet 140162, MedGen C0027672, MeSH D009386, MONDO:0015356.
Familial adenomatous polyposis 1 (FAP1). Also called: FAMILIAL ADENOMATOUS POLYPOSIS 1, ATTENUATED; POLYPOSIS, ADENOMATOUS INTESTINAL. Identifiers: MedGen C2713442, MONDO:0021056, OMIM 175100. Disease mechanism: loss of function.

Allele frequency attached by ClinVar (database versions not stated): gnomAD exomes below 0.00001.
gnomAD v4.1: 3 of 1,614,118 alleles (0.00019%); highest among the groups gnomAD compares: Non-Finnish European, 0.00017%; no homozygotes.

Submissions (6):

Labcorp Genetics (formerly Invitae), Labcorp
Classification: Likely benign for Familial adenomatous polyposis 1. Last evaluated: 2025-12-10. Review status: criteria provided, single submitter. Criteria: Invitae Variant Classification Sherloc (09022015). Collection method: clinical testing. Allele origin: germline.

Myriad Genetics, Inc.
Classification: Benign for Familial adenomatous polyposis 1. Last evaluated: 2024-03-07. Review status: criteria provided, single submitter. Criteria: Myriad Autosomal Dominant, Autosomal Recessive and X-Linked Classification Criteria (2023). Collection method: clinical testing. Allele origin: unknown.
Comment: This variant is considered benign. This variant is a silent/synonymous amino acid change and it is not expected to impact splicing.

All of Us Research Program, National Institutes of Health
Classification: Likely benign for Classic or attenuated familial adenomatous polyposis. Last evaluated: 2023-11-20. Review status: criteria provided, single submitter. Criteria: ACMG Guidelines, 2015. Collection method: clinical testing. Allele origin: germline. Inheritance: Autosomal dominant inheritance. Observed: 1 variant allele, 1 heterozygote.
Comment: This study involves interpretation of variants in research participants for the purpose of population health screening. Participant phenotype was not available at the time of variant classification. Additional details can be found in publication PMID: 35346344, PMCID: PMC8962531

Color Diagnostics, LLC DBA Color Health
Classification: Likely benign for Hereditary cancer-predisposing syndrome. Last evaluated: 2021-04-20. Review status: criteria provided, single submitter. Criteria: ACMG Guidelines, 2015. Collection method: clinical testing. Allele origin: germline.

GeneDx
Classification: Likely benign. Last evaluated: 2019-10-14. Review status: criteria provided, single submitter. Criteria: GeneDx Variant Classification Process June 2021. Collection method: clinical testing. Allele origin: germline. Affected: yes.

Ambry Genetics
Classification: Likely benign for Hereditary cancer-predisposing syndrome. Last evaluated: 2018-01-18. Review status: criteria provided, single submitter. Criteria: Ambry Variant Classification Scheme 2023. Collection method: clinical testing. Allele origin: germline.